The following is an entry in ClinVar:

ClinVar aggregate classification (germline): Pathogenic (1 of 4 stars; one submission).

Conditions:
Thrombophilia due to protein S deficiency, autosomal recessive (THPH6). Identifiers: Orphanet 743, MedGen C3281092, MONDO:0013791, OMIM 614514. Disease mechanism: loss of function.

Submission:

Labcorp Genetics (formerly Invitae), Labcorp
Classification: Pathogenic for Thrombophilia due to protein S deficiency, autosomal recessive. Last evaluated: 2021-05-21. Review status: criteria provided, single submitter. Criteria: Invitae Variant Classification Sherloc (09022015). Collection method: clinical testing. Allele origin: germline.
Comment: For these reasons, this variant has been classified as Pathogenic. This variant has been observed in individual(s) with protein S deficiency (PMID: 15712227). This variant is also known as p.Cys247X in the literature. This variant is not present in population databases (ExAC no frequency). This sequence change creates a premature translational stop signal (p.Cys288*) in the PROS1 gene. It is expected to result in an absent or disrupted protein product. Loss-of-function variants in PROS1 are known to be pathogenic (PMID: 9241758).

Literature cited by the submitters: PubMed 15712227; PubMed 9241758.

NM_000313.4(PROS1):c.864C>A (p.Cys288Ter)

Gene: PROS1 (protein S; minus strand). Cytogenetic location: 3q11.1.
Variant type: single nucleotide variant.
Coding change: c.864C>A on transcript NM_000313.4 (MANE Select); coding-DNA position 864, C replaced by A.
Protein change: p.Cys288Ter; replaces cysteine 288 with a stop codon.
Molecular consequence: nonsense.
Genome position (GRCh38, 1-based): chr3:93,896,677, G>T on the plus strand (C>A on the coding strand, the complement: PROS1 is on the minus strand). VCF-style: chr3-93896677-G-T. GRCh37 (hg19) VCF-style: chr3-93615521-G-T.
Other names: c.960C>A, p.Cys320Ter (NM_001314077.2); short protein forms C288*, C320*.
Identifiers: ClinVar variation 1456211 (VCV001456211.8), dbSNP rs554787241, ClinGen allele CA353672726.